The following is an entry in ClinVar:

NM_020800.3(IFT80):c.1664+1G>A

Genes: IFT80 (intraflagellar transport 80; minus strand), TRIM59-IFT80 (TRIM59-IFT80 readthrough (NMD candidate); minus strand). Cytogenetic location: 3q25.33.
Variant type: single nucleotide variant.
Coding change: c.1664+1G>A on transcript NM_020800.3 (MANE Select); the canonical splice donor site of the intron after coding-DNA position 1664, G replaced by A.
Molecular consequence: splice donor variant.
Genome position (GRCh38, 1-based): chr3:160,280,666, C>T on the plus strand (G>A on the coding strand, the complement: IFT80 is on the minus strand). VCF-style: chr3-160280666-C-T. GRCh37 (hg19) VCF-style: chr3-159998454-C-T.
Other names: c.1253+1G>A (NM_001190241.2, NM_001190242.2).
Identifiers: ClinVar variation 2008736 (VCV002008736.4), dbSNP rs2473112324, ClinGen allele CA355191115.
Genomic context (GRCh38, chr3:160,280,666, plus strand): 5'-CATGATACTCTATTAGAGTTTTATTTACTACAAAACAGAATTATACGCAGTAAAATGTTA[C>T]CTTGCATCCCTTTCATATAATGTTTTAGGCAAAATGTCTCTGTCCACATAAACTGTATTG-3'

ClinVar aggregate classification (germline): Likely pathogenic (1 of 4 stars; one submission).

Conditions:
Jeune thoracic dystrophy. Also called: Short-rib thoracic dysplasia; Jeune syndrome; Infantile thoracic dystrophy; Thoracic pelvic phalangeal dystrophy; Jeune's syndrome; Chondroectodermal dysplasia-like syndrome. Identifiers: Orphanet 474, MedGen C0265275, MONDO:0018770.

Submission:

Labcorp Genetics (formerly Invitae), Labcorp
Classification: Likely pathogenic for Jeune thoracic dystrophy. Last evaluated: 2022-06-20. Review status: criteria provided, single submitter. Criteria: Invitae Variant Classification Sherloc (09022015). Collection method: clinical testing. Allele origin: germline.
Comment: In summary, the currently available evidence indicates that the variant is pathogenic, but additional data are needed to prove that conclusively. Therefore, this variant has been classified as Likely Pathogenic. Algorithms developed to predict the effect of sequence changes on RNA splicing suggest that this variant may disrupt the consensus splice site. This variant has not been reported in the literature in individuals affected with IFT80-related conditions. This variant is not present in population databases (gnomAD no frequency). This sequence change affects a donor splice site in intron 15 of the IFT80 gene. It is expected to disrupt RNA splicing. Variants that disrupt the donor or acceptor splice site typically lead to a loss of protein function (PMID: 16199547), and loss-of-function variants in IFT80 are known to be pathogenic (PMID: 21227999, 23339108, 29068549).

Literature cited by the submitters: PubMed 16199547; PubMed 21227999; PubMed 23339108; PubMed 29068549.